The following is an entry in ClinVar:

NM_145038.5(DRC1):c.513_515del (p.Lys171del)

Gene: DRC1 (dynein regulatory complex subunit 1; plus strand). Cytogenetic location: 2p23.3.
Variant type: Deletion.
Coding change: c.513_515del on transcript NM_145038.5 (MANE Select); coding-DNA positions 513 to 515, 3 bases deleted (GAA; older notation c.513_515delGAA).
Protein change: p.Lys171del; deletes lysine 171.
Molecular consequence: inframe deletion.
Genome position (GRCh38, 1-based): chr2:26,424,427-26,424,429, GAA deleted; deleting any 3 consecutive bases within chr2:26,424,425-26,424,429 gives the same sequence; the c. name uses the placement nearest the transcript's 3' end. VCF-style (leftmost placement, unchanged base first): chr2-26424424-TAAG-T. GRCh37 (hg19) VCF-style: chr2-26647292-TAAG-T.
Other names: short protein forms K171del.
Identifiers: ClinVar variation 1498456 (VCV001498456.5), dbSNP rs773138367, ClinGen allele CA1561881.

ClinVar aggregate classification (germline): Uncertain significance (1 of 4 stars; one submission).

Conditions:
Primary ciliary dyskinesia. Also called: Ciliary dyskinesia. Identifiers: Orphanet 244, MedGen C0008780, MONDO:0016575, HP:0012265.

Submission:

Labcorp Genetics (formerly Invitae), Labcorp
Classification: Uncertain significance for Primary ciliary dyskinesia. Last evaluated: 2021-08-24. Review status: criteria provided, single submitter. Criteria: Invitae Variant Classification Sherloc (09022015). Collection method: clinical testing. Allele origin: germline.
Comment: This variant, c.513_515del, results in the deletion of 1 amino acid(s) of the DRC1 protein (p.Lys171del), but otherwise preserves the integrity of the reading frame. This variant is present in population databases (rs773138367, ExAC 0.003%). This variant has not been reported in the literature in individuals affected with DRC1-related conditions. Experimental studies and prediction algorithms are not available or were not evaluated, and the functional significance of this variant is currently unknown. In summary, the available evidence is currently insufficient to determine the role of this variant in disease. Therefore, it has been classified as a Variant of Uncertain Significance.